The following is an entry in ClinVar:

NM_005245.4(FAT1):c.2693G>A (p.Arg898Lys)

Gene: FAT1 (FAT atypical cadherin 1; minus strand). Cytogenetic location: 4q35.2.
Variant type: single nucleotide variant.
Coding change: c.2693G>A on transcript NM_005245.4 (MANE Select); coding-DNA position 2693, G replaced by A.
Protein change: p.Arg898Lys; replaces arginine 898 with lysine.
Molecular consequence: missense variant.
Genome position (GRCh38, 1-based): chr4:186,707,135, C>T on the plus strand (G>A on the coding strand, the complement: FAT1 is on the minus strand). VCF-style: chr4-186707135-C-T. GRCh37 (hg19) VCF-style: chr4-187628289-C-T.
Other names: short protein forms R898K.
Identifiers: ClinVar variation 2069853 (VCV002069853.4), dbSNP rs779751062, ClinGen allele CA3167201.
Genomic context (GRCh38, chr4:186,707,135, plus strand): 5'-TCTAGTGATACTTTCACAACGACAGTGGAGAACAGCTGAGGCTCTTCTCTGGCTTGGTCC[C>T]TGGCCTCAATCTTTAAGGAGTGCTCATGCTGCAGCTCTCGATCCAGAGGGCGTGCGATGT-3'
Protein context (NP_005236.2, residues 888-908): QHEHSLKIEA[Arg898Lys]DQAREEPQLF

ClinVar aggregate classification (germline): Uncertain significance (1 of 4 stars; one submission).

Allele frequency attached by ClinVar (database versions not stated): gnomAD exomes 0.00012; ExAC 0.00003; gnomAD 0.00003; TOPMed 0.00004.
gnomAD v4.1: 180 of 1,613,828 alleles (0.011%); highest among the groups gnomAD compares: Non-Finnish European, 0.015%; no homozygotes.

Submission:

Labcorp Genetics (formerly Invitae), Labcorp
Classification: Uncertain significance. Last evaluated: 2022-06-29. Review status: criteria provided, single submitter. Criteria: Invitae Variant Classification Sherloc (09022015). Collection method: clinical testing. Allele origin: germline.
Comment: This variant is present in population databases (rs779751062, gnomAD 0.009%). This variant has not been reported in the literature in individuals affected with FAT1-related conditions. This sequence change replaces arginine, which is basic and polar, with lysine, which is basic and polar, at codon 898 of the FAT1 protein (p.Arg898Lys). In summary, the available evidence is currently insufficient to determine the role of this variant in disease. Therefore, it has been classified as a Variant of Uncertain Significance. Algorithms developed to predict the effect of missense changes on protein structure and function output the following: SIFT: "Deleterious"; PolyPhen-2: "Benign"; Align-GVGD: "Class C25". The lysine amino acid residue is found in multiple mammalian species, which suggests that this missense change does not adversely affect protein function.